The following is an entry in ClinVar:

NM_000057.4(BLM):c.2923C>G (p.Gln975Glu)

Gene: BLM (BLM RecQ like helicase; plus strand). Cytogenetic location: 15q26.1.
Variant type: single nucleotide variant.
Coding change: c.2923C>G on transcript NM_000057.4 (MANE Select); coding-DNA position 2923, C replaced by G.
Protein change: p.Gln975Glu; replaces glutamine 975 with glutamic acid.
Molecular consequence: missense variant.
Genome position (GRCh38, 1-based): chr15:90,790,748, C>G. VCF-style: chr15-90790748-C-G. GRCh37 (hg19) VCF-style: chr15-91333978-C-G.
Other names: c.2923C>G, p.Gln975Glu (NM_001287246.2, NM_001287247.2); c.1798C>G, p.Gln600Glu (NM_001287248.2); c.2923C>G (NM_000057.2); short protein forms Q600E, Q975E.
Identifiers: ClinVar variation 656453 (VCV000656453.8), dbSNP rs757148522, ClinGen allele CA7738897.

ClinVar aggregate classification (germline): Uncertain significance. Review status: criteria provided, multiple submitters, no conflicts (2 of 4 stars). 4 submissions from 4 submitters: Uncertain significance (3). 1 of the submissions does not count toward it. Last evaluated 2025-11-17.

Conditions:
Hereditary cancer-predisposing syndrome. Also called: Hereditary neoplastic syndrome; Tumor predisposition; Neoplastic Syndromes, Hereditary; Hereditary Cancer Syndrome. Identifiers: Orphanet 140162, MedGen C0027672, MeSH D009386, MONDO:0015356.
Bloom syndrome (BLM). Also called: Bloom-Torre-Machacek syndrome. Identifiers: Orphanet 125, MedGen C0005859, MONDO:0008876, OMIM 210900.

Allele frequency attached by ClinVar (database versions not stated): gnomAD 0.00001; gnomAD exomes below 0.00001 and 0.00002; ExAC 0.00002; TOPMed 0.00002.
gnomAD v4.1: 2 of 1,613,978 alleles (0.00012%); highest among the groups gnomAD compares: East Asian, 0.0045%; no homozygotes.

Submissions (4):

Labcorp Genetics (formerly Invitae), Labcorp
Classification: Uncertain significance for Bloom syndrome. Last evaluated: 2025-11-17. Review status: criteria provided, single submitter. Criteria: Invitae Variant Classification Sherloc (09022015). Collection method: clinical testing. Allele origin: germline.
Comment: This sequence change replaces glutamine, which is neutral and polar, with glutamic acid, which is acidic and polar, at codon 975 of the BLM protein (p.Gln975Glu). This variant is present in population databases (rs757148522, gnomAD 0.03%). This variant has not been reported in the literature in individuals affected with BLM-related conditions. ClinVar contains an entry for this variant (Variation ID: 656453). Invitae Evidence Modeling of protein sequence and biophysical properties (such as structural, functional, and spatial information, amino acid conservation, physicochemical variation, residue mobility, and thermodynamic stability) indicates that this missense variant is expected to disrupt BLM protein function with a positive predictive value of 80%. In summary, the available evidence is currently insufficient to determine the role of this variant in disease. Therefore, it has been classified as a Variant of Uncertain Significance.

Quest Diagnostics Nichols Institute San Juan Capistrano
Classification: Uncertain significance. Last evaluated: 2024-07-24. Review status: criteria provided, single submitter. Criteria: Quest Diagnostics criteria. Collection method: clinical testing. Allele origin: unknown.
Comment: The BLM c.2923C>G (p.Gln975Glu) variant has not been reported as a germline variant in individuals with BLM-related conditions in the published literature. The frequency of this variant in the general population, 0.00025 (5/19948 chromosomes (Genome Aggregation Database)), is uninformative in the assessment of its pathogenicity. Analysis of this variant using bioinformatics tools for the prediction of the effect of amino acid changes on protein structure and function yielded predictions that this variant is damaging. Based on the available information, we are unable to determine the clinical significance of this variant.

Ambry Genetics
Classification: Uncertain significance for Hereditary cancer-predisposing syndrome. Last evaluated: 2024-06-13. Review status: criteria provided, single submitter. Criteria: Ambry Variant Classification Scheme 2023. Collection method: clinical testing. Allele origin: germline.
Comment: The p.Q975E variant (also known as c.2923C>G), located in coding exon 14 of the BLM gene, results from a C to G substitution at nucleotide position 2923. The glutamine at codon 975 is replaced by glutamic acid, an amino acid with highly similar properties. This amino acid position is highly conserved in available vertebrate species. In addition, this alteration is predicted to be deleterious by in silico analysis. Based on the available evidence, the clinical significance of this variant remains unclear.

Natera, Inc.
Classification: Uncertain significance for Bloom syndrome. Last evaluated: 2019-01-17. Review status: no assertion criteria provided. Collection method: clinical testing. Allele origin: germline. Not counted in ClinVar's aggregate classification.

Literature cited by the submitters: PubMed 25123191 (cited by Quest Diagnostics Nichols Institute San Juan Capistrano).